The following is an entry in ClinVar:

NM_001111125.3(IQSEC2):c.3913T>G (p.Ser1305Ala)

Gene: IQSEC2 (IQ motif and Sec7 domain ArfGEF 2; minus strand). Cytogenetic location: Xp11.22.
Variant type: single nucleotide variant.
Coding change: c.3913T>G on transcript NM_001111125.3 (MANE Select); coding-DNA position 3913, T replaced by G.
Protein change: p.Ser1305Ala; replaces serine 1305 with alanine.
Molecular consequence: missense variant. On other transcripts: 3 prime UTR variant (1).
Genome position (GRCh38, 1-based): chrX:53,234,773, A>C on the plus strand (T>G on the coding strand, the complement: IQSEC2 is on the minus strand). VCF-style: chrX-53234773-A-C. GRCh37 (hg19) VCF-style: chrX-53263955-A-C.
Other names: c.*398T>G (NM_001410736.1, NM_015075.2); short protein forms S1305A.
Identifiers: ClinVar variation 1810117 (VCV001810117.1), dbSNP rs2519671648, ClinGen allele CA413140178.

ClinVar aggregate classification (germline): Uncertain significance (1 of 4 stars; one submission).

Submission:

GeneDx
Classification: Uncertain significance. Last evaluated: 2022-07-02. Review status: criteria provided, single submitter. Criteria: GeneDx Variant Classification Process June 2021. Collection method: clinical testing. Allele origin: germline. Affected: yes.
Comment: Not observed at significant frequency in large population cohorts (gnomAD); In silico analysis supports that this missense variant does not alter protein structure/function; Has not been previously published as pathogenic or benign to our knowledge